The following is an entry in ClinVar:

ClinVar aggregate classification (germline): Benign/Likely benign. Review status: criteria provided, single submitter (1 of 4 stars). 2 submissions from 1 submitter: Benign (1); Likely benign (1). Last evaluated 2018-01-12.

Conditions:
Adult-onset proximal spinal muscular atrophy, autosomal dominant. Also called: FINKEL LATE-ADULT TYPE SMA; Spinal muscular atrophy, late-onset, finkel type. Identifiers: Orphanet 209335, MedGen C1854058, MONDO:0008453, OMIM 182980.
Amyotrophic lateral sclerosis type 8 (ALS8). Identifiers: Orphanet 803, MedGen C1837728, MONDO:0012077, OMIM 608627.

Allele frequency attached by ClinVar (database versions not stated): 1000 Genomes Project 0.00020; 1000 Genomes Project 30x 0.00031; gnomAD 0.00050 and 0.00053; TOPMed 0.00053; gnomAD exomes 0.00069 and 0.00078; ExAC 0.00158.
gnomAD v4.1: 292 of 454,158 alleles (0.064%); highest among the groups gnomAD compares: Middle Eastern, 0.28%; 1 homozygote.

Submissions (2):

Illumina Laboratory Services, Illumina
Classification: Likely benign for Adult-onset proximal spinal muscular atrophy, autosomal dominant. Last evaluated: 2018-01-12. Review status: criteria provided, single submitter. Criteria: ICSL Variant Classification Criteria 13 December 2019. Collection method: clinical testing. Allele origin: germline.
Comment: This variant was observed in the ICSL laboratory as part of a predisposition screen in an ostensibly healthy population. It had not been previously curated by ICSL or reported in the Human Gene Mutation Database (HGMD: prior to June 1st, 2018), and was therefore a candidate for classification through an automated scoring system. Utilizing variant allele frequency, disease prevalence and penetrance estimates, and inheritance mode, an automated score was calculated to assess if this variant is too frequent to cause the disease. Based on the score and internal cut-off values, a variant classified as likely benign is not then subjected to further curation. The score for this variant resulted in a classification of likely benign for this disease.

Illumina Laboratory Services, Illumina
Classification: Benign for Amyotrophic lateral sclerosis type 8. Last evaluated: 2018-01-12. Review status: criteria provided, single submitter. Criteria: ICSL Variant Classification Criteria 13 December 2019. Collection method: clinical testing. Allele origin: germline.
Comment: This variant was observed in the ICSL laboratory as part of a predisposition screen in an ostensibly healthy population. It had not been previously curated by ICSL or reported in the Human Gene Mutation Database (HGMD: prior to June 1st, 2018), and was therefore a candidate for classification through an automated scoring system. Utilizing variant allele frequency, disease prevalence and penetrance estimates, and inheritance mode, an automated score was calculated to assess if this variant is too frequent to cause the disease. Based on the score and internal cut-off values, a variant classified as benign is not then subjected to further curation. The score for this variant resulted in a classification of benign for this disease.

NM_004738.5(VAPB):c.*3020A>G

Gene: VAPB (VAMP associated protein B and C; plus strand). Cytogenetic location: 20q13.32.
Variant type: single nucleotide variant.
Coding change: c.*3020A>G on transcript NM_004738.5 (MANE Select); 3020 bases downstream of the stop codon, A replaced by G.
Molecular consequence: 3 prime UTR variant. On other transcripts: non-coding transcript variant (1).
Genome position (GRCh38, 1-based): chr20:58,447,255, A>G. VCF-style: chr20-58447255-A-G. GRCh37 (hg19) VCF-style: chr20-57022311-A-G.
Other names: c.*3090A>G (NM_001195677.2).
Identifiers: ClinVar variation 338965 (VCV000338965.6), dbSNP rs570716807, ClinGen allele CA9924519.
Genomic context (GRCh38, chr20:58,447,255, plus strand): 5'-TCCTGAAAGTTTTTATTGATTGAAGTTTTAAATTGGTAACTTAAGCTTCCTTGGCACGAT[A>G]CAAAATACCTCTTAAAGACAGCAGGCTTTTTTATTTGTAGGTGTGAGGAACTGGCTTTAA-3'